The following is an entry in ClinVar:

ClinVar aggregate classification (germline): Benign/Likely benign. Review status: criteria provided, multiple submitters, no conflicts (2 of 4 stars). 4 submissions from 4 submitters: Benign (2); Likely benign (2). Last evaluated 2026-05-04.

Conditions:
Cardiovascular phenotype. Identifiers: MedGen CN230736.

Allele frequency attached by ClinVar (database versions not stated): gnomAD exomes 0.00060 and 0.00032; ExAC 0.00082; gnomAD 0.00319 and 0.00330; 1000 Genomes Project 0.00519; TOPMed 0.00351; 1000 Genomes Project 30x 0.00531.
gnomAD v4.1: 954 of 1,548,832 alleles (0.062%); highest among the groups gnomAD compares: African/African-American, 1.2%; 12 homozygotes.

Submissions (4):

Women's Health and Genetics/Laboratory Corporation of America, LabCorp
Classification: Likely benign. Last evaluated: 2026-05-04. Review status: criteria provided, single submitter. Criteria: LabCorp Variant Classification Summary - May 2015. Collection method: clinical testing. Allele origin: germline.
Comment: Variant summary: ZNF469 c.6259G>A (p.Ala2087Thr) results in a non-conservative amino acid change in the encoded protein sequence. Algorithms developed to predict the effect of missense changes on protein structure and function are either unavailable or do not agree on the potential impact of this missense change. The variant allele was found at a frequency of 0.0006 in 142794 control chromosomes, predominantly at a frequency of 0.01 within the African or African-American subpopulation in the gnomAD database. The observed variant frequency within African or African-American control individuals in the gnomAD database exceeds the estimated maximal expected allele frequency for disease-causing variants in ZNF469. To our knowledge, no occurrence of c.6259G>A in individuals affected with ZNF469-related conditions and no experimental evidence demonstrating its impact on protein function have been reported. ClinVar contains an entry for this variant (Variation ID: 320952). Based on the evidence outlined above, the variant was classified as likely benign.

Labcorp Genetics (formerly Invitae), Labcorp
Classification: Benign. Last evaluated: 2026-01-27. Review status: criteria provided, single submitter. Criteria: Invitae Variant Classification Sherloc (09022015). Collection method: clinical testing. Allele origin: germline.

GeneDx
Classification: Likely benign. Last evaluated: 2021-09-16. Review status: criteria provided, single submitter. Criteria: GeneDx Variant Classification Process June 2021. Collection method: clinical testing. Allele origin: germline. Affected: yes.

Ambry Genetics
Classification: Benign for Cardiovascular phenotype. Last evaluated: 2020-03-18. Review status: criteria provided, single submitter. Criteria: Ambry Variant Classification Scheme 2023. Collection method: clinical testing. Allele origin: germline.

NM_001367624.2(ZNF469):c.6259G>A (p.Ala2087Thr)

Gene: ZNF469 (zinc finger protein 469; plus strand). Cytogenetic location: 16q24.2.
Variant type: single nucleotide variant.
Coding change: c.6259G>A on transcript NM_001367624.2 (MANE Select); coding-DNA position 6259, G replaced by A.
Protein change: p.Ala2087Thr; replaces alanine 2087 with threonine.
Molecular consequence: missense variant.
Genome position (GRCh38, 1-based): chr16:88,433,729, G>A. VCF-style: chr16-88433729-G-A. GRCh37 (hg19) VCF-style: chr16-88500137-G-A.
Other names: NM_001127464.1:c.6175G>A; short protein forms A2087T.
Identifiers: ClinVar variation 320952 (VCV000320952.19), dbSNP rs144986357, ClinGen allele CA8225134.
Genomic context (GRCh38, chr16:88,433,729, plus strand): 5'-GCGCTGGCCTTGACAGCAGCCCACAGCCGAAGTGGATCTGAGGGCCGGACTCCAGAGAGG[G>A]CGTCCAGCCCCGGCCTGAACAAGCCACTGCTGGCCACAGGGGATAGCCCAGCACCCTCTG-3'
Protein context (NP_001354553.1, residues 2077-2097): SGSEGRTPER[Ala2087Thr]SSPGLNKPLL